The following is an entry in ClinVar:

ClinVar aggregate classification (germline): Conflicting classifications of pathogenicity. Review status: criteria provided, conflicting classifications (1 of 4 stars). 3 submissions from 3 submitters: Uncertain significance (2); Likely benign (1). Last evaluated 2024-11-23.

Conditions:
Inborn genetic diseases. Identifiers: MedGen C0950123, MeSH D030342.

Allele frequency attached by ClinVar (database versions not stated): gnomAD exomes below 0.00001; gnomAD 0.00001; TOPMed 0.00001.

Submissions (3):

Ambry Genetics
Classification: Likely benign for Inborn genetic diseases. Last evaluated: 2024-11-23. Review status: criteria provided, single submitter. Criteria: Ambry Variant Classification Scheme 2023. Collection method: clinical testing. Allele origin: germline.

GeneDx
Classification: Uncertain significance. Last evaluated: 2023-11-03. Review status: criteria provided, single submitter. Criteria: GeneDx Variant Classification Process June 2021. Collection method: clinical testing. Allele origin: germline. Affected: yes.
Comment: Not observed at significant frequency in large population cohorts (gnomAD); In silico analysis supports that this missense variant does not alter protein structure/function; Has not been previously published as pathogenic or benign to our knowledge

Labcorp Genetics (formerly Invitae), Labcorp
Classification: Uncertain significance. Last evaluated: 2022-04-18. Review status: criteria provided, single submitter. Criteria: Invitae Variant Classification Sherloc (09022015). Collection method: clinical testing. Allele origin: germline.
Comment: This sequence change replaces valine, which is neutral and non-polar, with alanine, which is neutral and non-polar, at codon 141 of the SAMD9L protein (p.Val141Ala). This variant is present in population databases (no rsID available, gnomAD 0.003%). This variant has not been reported in the literature in individuals affected with SAMD9L-related conditions. Algorithms developed to predict the effect of missense changes on protein structure and function output the following: SIFT: "Not Available"; PolyPhen-2: "Benign"; Align-GVGD: "Not Available". The alanine amino acid residue is found in multiple mammalian species, which suggests that this missense change does not adversely affect protein function. In summary, the available evidence is currently insufficient to determine the role of this variant in disease. Therefore, it has been classified as a Variant of Uncertain Significance.

NM_152703.5(SAMD9L):c.422T>C (p.Val141Ala)

Gene: SAMD9L (sterile alpha motif domain containing 9 like; minus strand). Cytogenetic location: 7q21.2.
Variant type: single nucleotide variant.
Coding change: c.422T>C on transcript NM_152703.5 (MANE Select); coding-DNA position 422, T replaced by C.
Protein change: p.Val141Ala; replaces valine 141 with alanine.
Molecular consequence: missense variant.
Genome position (GRCh38, 1-based): chr7:93,135,550, A>G on the plus strand (T>C on the coding strand, the complement: SAMD9L is on the minus strand). VCF-style: chr7-93135550-A-G. GRCh37 (hg19) VCF-style: chr7-92764863-A-G.
Other names: c.422T>C, p.Val141Ala (NM_001303496.3, NM_001303497.3, NM_001303498.3 and 5 more transcripts); c.422T>C (NM_152703.3, NM_152703.2); short protein forms V141A.
Identifiers: ClinVar variation 1386114 (VCV001386114.8), dbSNP rs1309069299, ClinGen allele CA368203385.